The following is an entry in ClinVar:

NM_001009944.3(PKD1):c.12252C>T (p.Pro4084=)

Gene: PKD1 (polycystin 1, transient receptor potential channel interacting; minus strand). Cytogenetic location: 16p13.3.
Variant type: single nucleotide variant.
Coding change: c.12252C>T on transcript NM_001009944.3 (MANE Select); coding-DNA position 12252, C replaced by T.
Protein change: p.Pro4084=; no amino-acid change (proline 4084 retained).
Molecular consequence: synonymous variant.
Genome position (GRCh38, 1-based): chr16:2,090,477, G>A on the plus strand (C>T on the coding strand, the complement: PKD1 is on the minus strand). VCF-style: chr16-2090477-G-A. GRCh37 (hg19) VCF-style: chr16-2140478-G-A.
Other names: c.12249C>T, p.Pro4083= (NM_000296.4).
Identifiers: ClinVar variation 3353890 (VCV003353890.1).

ClinVar aggregate classification (germline): Likely benign (0 of 4 stars; one submission).

Conditions:
PKD1-related disorder. Also called: PKD1-related condition.

gnomAD v4.1: 3 of 1,612,202 alleles (0.00019%); highest among the groups gnomAD compares: Non-Finnish European, 0.00017%; no homozygotes.

Submission:

PreventionGenetics, part of Exact Sciences
Classification: Likely benign for PKD1-related condition. Last evaluated: 2024-08-27. Review status: no assertion criteria provided. Collection method: clinical testing. Allele origin: germline.
Comment: This variant is classified as likely benign based on ACMG/AMP sequence variant interpretation guidelines (Richards et al. 2015 PMID: 25741868, with internal and published modifications).